The following is an entry in ClinVar:

ClinVar aggregate classification (germline): Benign (1 of 4 stars; one submission).

Conditions:
Acrodysostosis 2 with or without hormone resistance. Also called: ACRODYSOSTOSIS 2 WITH HORMONE RESISTANCE; ACRODYSOSTOSIS 2 WITHOUT HORMONE RESISTANCE. Identifiers: Orphanet 280651, MedGen C3553250, MONDO:0013822, OMIM 614613.

Allele frequency attached by ClinVar (database versions not stated): TOPMed 0.00001; gnomAD 0.00006; 1000 Genomes Project 30x 0.00031; 1000 Genomes Project 0.00040.

Submission:

Illumina Laboratory Services, Illumina
Classification: Benign for Acrodysostosis 2 with or without hormone resistance. Last evaluated: 2018-01-13. Review status: criteria provided, single submitter. Criteria: ICSL Variant Classification Criteria 13 December 2019. Collection method: clinical testing. Allele origin: germline.
Comment: This variant was observed in the ICSL laboratory as part of a predisposition screen in an ostensibly healthy population. It had not been previously curated by ICSL or reported in the Human Gene Mutation Database (HGMD: prior to June 1st, 2018), and was therefore a candidate for classification through an automated scoring system. Utilizing variant allele frequency, disease prevalence and penetrance estimates, and inheritance mode, an automated score was calculated to assess if this variant is too frequent to cause the disease. Based on the score and internal cut-off values, a variant classified as benign is not then subjected to further curation. The score for this variant resulted in a classification of benign for this disease.

NM_001104631.2(PDE4D):c.*466G>T

Gene: PDE4D (phosphodiesterase 4D; minus strand). Cytogenetic location: 5q11.2.
Variant type: single nucleotide variant.
Coding change: c.*466G>T on transcript NM_001104631.2 (MANE Select); 466 bases downstream of the stop codon, G replaced by T.
Molecular consequence: 3 prime UTR variant.
Genome position (GRCh38, 1-based): chr5:58,974,198, C>A on the plus strand (G>T on the coding strand, the complement: PDE4D is on the minus strand). VCF-style: chr5-58974198-C-A. GRCh37 (hg19) VCF-style: chr5-58270025-C-A.
Other names: c.*466G>T (NM_001165899.2, NM_001197218.2, NM_001197219.2 and 11 more transcripts).
Identifiers: ClinVar variation 907571 (VCV000907571.4), dbSNP rs140371223, ClinGen allele CA118783196.
Genomic context (GRCh38, chr5:58,974,198, plus strand): 5'-CACACTATTCAGTCATGTATCAGGAAGACTTGAAATTAGAAAATTATGCAATTTCTGTGG[C>A]TCATCCTCCTCCTACTGGTAACAGATTCGTGCTATGTCCTGTTCTTGACATATTTGTTGC-3'